The following is an entry in ClinVar:

ClinVar aggregate classification (germline): Likely benign (1 of 4 stars; one submission).

Conditions:
RPGRIP1L-related disorder. Also called: RPGRIP1L-related disorders; RPGRIP1L-related condition. Identifiers: MedGen CN239416.

Submission:

PreventionGenetics, part of Exact Sciences
Classification: Likely benign for RPGRIP1L-related condition. Last evaluated: 2026-05-05. Review status: criteria provided, single submitter. Criteria: ACMG Guidelines, 2015. Collection method: clinical testing. Allele origin: germline.
Comment: This variant is classified as likely benign based on ACMG/AMP sequence variant interpretation guidelines (Richards et al. 2015 PMID: 25741868, with internal and published modifications).

NM_015272.5(RPGRIP1L):c.1482T>C (p.Ser494=)

Gene: RPGRIP1L (RPGRIP1 like; minus strand). Cytogenetic location: 16q12.2.
Variant type: single nucleotide variant.
Coding change: c.1482T>C on transcript NM_015272.5 (MANE Select); coding-DNA position 1482, T replaced by C.
Protein change: p.Ser494=; no amino-acid change (serine 494 retained).
Molecular consequence: synonymous variant.
Genome position (GRCh38, 1-based): chr16:53,657,552, A>G on the plus strand (T>C on the coding strand, the complement: RPGRIP1L is on the minus strand). VCF-style: chr16-53657552-A-G. GRCh37 (hg19) VCF-style: chr16-53691464-A-G.
Other names: c.1482T>C, p.Ser494= (NM_001127897.4, NM_001308334.3, NM_001330538.2).
Identifiers: ClinVar variation 4993616 (VCV004993616.1).